The following is an entry in ClinVar:

NM_001084.5(PLOD3):c.880-2A>C

Gene: PLOD3 (procollagen-lysine,2-oxoglutarate 5-dioxygenase 3; minus strand). Cytogenetic location: 7q22.1.
Variant type: single nucleotide variant.
Coding change: c.880-2A>C on transcript NM_001084.5 (MANE Select); the canonical splice acceptor site of the intron before coding-DNA position 880, A replaced by C.
Molecular consequence: splice acceptor variant.
Genome position (GRCh38, 1-based): chr7:101,212,657, T>G on the plus strand (A>C on the coding strand, the complement: PLOD3 is on the minus strand). VCF-style: chr7-101212657-T-G. GRCh37 (hg19) VCF-style: chr7-100855938-T-G.
Identifiers: ClinVar variation 2763722 (VCV002763722.3), dbSNP rs773991952, ClinGen allele CA368619805.

ClinVar aggregate classification (germline): Likely pathogenic (1 of 4 stars; one submission).

Submission:

Labcorp Genetics (formerly Invitae), Labcorp
Classification: Likely pathogenic. Last evaluated: 2023-09-27. Review status: criteria provided, single submitter. Criteria: Invitae Variant Classification Sherloc (09022015). Collection method: clinical testing. Allele origin: germline.
Comment: This variant has not been reported in the literature in individuals affected with PLOD3-related conditions. This variant is not present in population databases (gnomAD no frequency). This sequence change affects an acceptor splice site in intron 8 of the PLOD3 gene. It is expected to disrupt RNA splicing. Variants that disrupt the donor or acceptor splice site typically lead to a loss of protein function (PMID: 16199547), and loss-of-function variants in PLOD3 are known to be pathogenic (PMID: 30237576). In summary, the currently available evidence indicates that the variant is pathogenic, but additional data are needed to prove that conclusively. Therefore, this variant has been classified as Likely Pathogenic. Algorithms developed to predict the effect of sequence changes on RNA splicing suggest that this variant may disrupt the consensus splice site.

Literature cited by the submitters: PubMed 16199547; PubMed 30237576.